The following is an entry in ClinVar:

ClinVar aggregate classification (germline): Pathogenic (1 of 4 stars; one submission).

Submission:

Labcorp Genetics (formerly Invitae), Labcorp
Classification: Pathogenic. Last evaluated: 2023-02-24. Review status: criteria provided, single submitter. Criteria: Invitae Variant Classification Sherloc (09022015). Collection method: clinical testing. Allele origin: germline.
Comment: For these reasons, this variant has been classified as Pathogenic. This variant has not been reported in the literature in individuals affected with LAMA3-related conditions. This variant is not present in population databases (gnomAD no frequency). This sequence change creates a premature translational stop signal (p.Gln239*) in the LAMA3 gene. It is expected to result in an absent or disrupted protein product. Loss-of-function variants in LAMA3 are known to be pathogenic (PMID: 10366601, 11810295, 12915477, 16473856, 17362460, 22434185, 23869449, 27827380, 28087116).

Literature cited by the submitters: PubMed 10366601; PubMed 11810295; PubMed 12915477; PubMed 16473856; PubMed 17362460; PubMed 22434185; PubMed 23869449; PubMed 27827380; PubMed 28087116.

NM_198129.4(LAMA3):c.5542C>T (p.Gln1848Ter)

Gene: LAMA3 (laminin subunit alpha 3; plus strand). Cytogenetic location: 18q11.2.
Variant type: single nucleotide variant.
Coding change: c.5542C>T on transcript NM_198129.4 (MANE Select); coding-DNA position 5542, C replaced by T.
Protein change: p.Gln1848Ter; replaces glutamine 1848 with a stop codon.
Molecular consequence: nonsense.
Genome position (GRCh38, 1-based): chr18:23,894,987, C>T. VCF-style: chr18-23894987-C-T. GRCh37 (hg19) VCF-style: chr18-21474951-C-T.
Other names: c.715C>T, p.Gln239Ter (NM_000227.6, NM_001127718.4); c.5542C>T, p.Gln1848Ter (NM_001127717.4); short protein forms Q1848*, Q239*.
Identifiers: ClinVar variation 2880859 (VCV002880859.3), dbSNP rs984660543, ClinGen allele CA402046138.